The following is an entry in ClinVar:

NM_024570.4(RNASEH2B):c.822+1G>A

Gene: RNASEH2B (ribonuclease H2 subunit B; plus strand). Cytogenetic location: 13q14.3.
Variant type: single nucleotide variant.
Coding change: c.822+1G>A on transcript NM_024570.4 (MANE Select); the canonical splice donor site of the intron after coding-DNA position 822, G replaced by A.
Molecular consequence: splice donor variant. On other transcripts: intron variant (2).
Genome position (GRCh38, 1-based): chr13:50,953,986, G>A. VCF-style: chr13-50953986-G-A. GRCh37 (hg19) VCF-style: chr13-51528122-G-A.
Other names: c.741+4481G>A (NM_001142279.2, NM_001411023.1).
Identifiers: ClinVar variation 5004148 (VCV005004148.1).

ClinVar aggregate classification (germline): Uncertain significance (1 of 4 stars; one submission).

Conditions:
Aicardi-Goutieres syndrome 2. Identifiers: Orphanet 51, MedGen C3489724, MONDO:0012429, OMIM 610181.

gnomAD v4.1: 2 of 1,582,118 alleles (0.00013%); highest among the groups gnomAD compares: Non-Finnish European, 0.00017%; no homozygotes.

Submission:

Myriad Genetics, Inc.
Classification: Uncertain significance for Aicardi-Goutieres syndrome 2. Last evaluated: 2025-09-04. Review status: criteria provided, single submitter. Criteria: Myriad Autosomal Dominant, Autosomal Recessive and X-Linked Classification Criteria (2023). Collection method: clinical testing. Allele origin: unknown.
Comment: NM_024570.3(RNASEH2B):c.822+1G>A is a variant in a canonical splice site classified as a variant of uncertain significance in the context of Aicardi-Goutires syndrome, RNASEH2B-related. c.822+1G>A has not been observed in cases with relevant disease. Relevant functional assessments of this variant are not available in the literature. c.822+1G>A has not been observed in referenced population frequency databases. In summary, there is insufficient evidence to classify NM_024570.3(RNASEH2B):c.822+1G>A as pathogenic or benign. Please note: this variant was assessed in the context of healthy population screening.